The following is an entry in ClinVar:

NM_001136018.4(EPHX1):c.251G>A (p.Gly84Asp)

Gene: EPHX1 (epoxide hydrolase 1; plus strand). Cytogenetic location: 1q42.12.
Variant type: single nucleotide variant.
Coding change: c.251G>A on transcript NM_001136018.4 (MANE Select); coding-DNA position 251, G replaced by A.
Protein change: p.Gly84Asp; replaces glycine 84 with aspartic acid.
Molecular consequence: missense variant. On other transcripts: non-coding transcript variant (4).
Genome position (GRCh38, 1-based): chr1:225,831,846, G>A. VCF-style: chr1-225831846-G-A. GRCh37 (hg19) VCF-style: chr1-226019547-G-A.
Other names: c.251G>A, p.Gly84Asp (NM_000120.4, NM_001291163.2, NM_001378426.1 and 5 more transcripts); c.224G>A, p.Gly75Asp (NM_001378428.1); short protein forms G75D, G84D.
Identifiers: ClinVar variation 3376999 (VCV003376999.1).

ClinVar aggregate classification (germline): Likely pathogenic (1 of 4 stars; one submission).

Conditions:
Hereditary lipodystrophy. Identifiers: Orphanet 98305, MedGen C4511302, MONDO:0020087.

Submission:

Victorian Clinical Genetics Services, Murdoch Childrens Research Institute
Classification: Likely pathogenic for Hereditary lipodystrophy. Last evaluated: 2024-10-09. Review status: criteria provided, single submitter. Criteria: ACMG Guidelines, 2015. Collection method: clinical testing. Allele origin: germline. Inheritance: Autosomal dominant inheritance. Affected: yes.
Comment: Based on the classification scheme VCGS_Germline_v1.3.4, this variant is classified as Likely pathogenic. Following criteria are met: 0103 - Dominant negative and loss of function are likely mechanisms of disease in this gene and are associated with hereditary lipodystrophy (MONDO#0020087), EPHX1-related. Missense variants are postulated to have a dominant negative effect, leading to loss of enzymatic activity, while loss of function is the suggested mechanism for protein truncating variants (PMID: 34342583). (I) 0107 - This gene is associated with autosomal dominant disease. (I) 0200 - Variant is predicted to result in a missense amino acid change from glycine to aspartic acid. (I) 0251 - This variant is heterozygous. (I) 0301 - Variant is absent from gnomAD (both v2 and v3). (SP) 0309 - An alternative amino acid change at the same position has been observed in gnomAD (v2) (p.(Gly84Val): 1 heterozygote, 0 homozygotes). (I) 0502 - Missense variant with conflicting in silico predictions and uninformative conservation. (I) 0604 - Variant is not located in an established domain, motif, hotspot or informative constraint region. (I) 0705 - No comparable missense variants have previous evidence for pathogenicity. (I) 0807 - This variant has no previous evidence of pathogenicity. (I) 0905 - No published segregation evidence has been identified for this variant. (I) 1007 - No published functional evidence has been identified for this variant. (SP) Legend: (SP) - Supporting pathogenic, (I) - Information, (SB) - Supporting benign

Literature cited by the submitters: PubMed 34342583.